The following is an entry in ClinVar:

NM_000540.3(RYR1):c.13892A>C (p.Tyr4631Ser)

Gene: RYR1 (ryanodine receptor 1; plus strand). Cytogenetic location: 19q13.2.
Variant type: single nucleotide variant.
Coding change: c.13892A>C on transcript NM_000540.3 (MANE Select); coding-DNA position 13892, A replaced by C.
Protein change: p.Tyr4631Ser; replaces tyrosine 4631 with serine.
Molecular consequence: missense variant.
Genome position (GRCh38, 1-based): chr19:38,572,164, A>C. VCF-style: chr19-38572164-A-C. GRCh37 (hg19) VCF-style: chr19-39062804-A-C.
Other names: NM_000540.3(RYR1):c.13892A>C; p.Tyr4631Ser; c.13877A>C, p.Tyr4626Ser (NM_001042723.2); short protein forms Y4626S, Y4631S.
Identifiers: ClinVar variation 653142 (VCV000653142.11), dbSNP rs1568593922, ClinGen allele CA405680876.

ClinVar aggregate classification (germline): Pathogenic/Likely pathogenic. Review status: criteria provided, multiple submitters, no conflicts (2 of 4 stars). 3 submissions from 3 submitters: Pathogenic (2); Likely pathogenic (1). Last evaluated 2024-02-05.

Conditions:
RYR1-related myopathy. Identifiers: Orphanet 98742, MedGen CN305348, MONDO:0100150.
RYR1-related disorder. Also called: RYR1-related disorders; RYR1-related condition. Identifiers: MedGen CN239331.

Submissions (3):

Laboratorio de Biologia Molecular - Genetica, Hospital de Pediatria Garrahan
Classification: Pathogenic for RYR1-related myopathy. Last evaluated: 2024-02-05. Review status: criteria provided, single submitter. Criteria: ACMG Guidelines, 2015. Collection method: clinical testing. Allele origin: unknown. Affected: yes. Observed: 1 heterozygote.
Comment: This variant has been previously reported by the Broad Institute Rare Disease Group in a patient with central core myopathy (de novo variant, classified as Likely Pathogenic). Additionally, Invitae has reported this variant (observed to be de novo in at least one individual) and interpreted it as pathogenic. The variant is absent from population databases. In silico analysis suggests that this variant disrupts RYR1 protein function. For these reasons, this variant has been classified as Pathogenic.

Broad Center for Mendelian Genomics, Broad Institute of MIT and Harvard
Classification: Likely pathogenic for RYR1-related myopathy. Last evaluated: 2023-01-25. Review status: criteria provided, single submitter. Criteria: ACMG Guidelines, 2015. Collection method: curation. Allele origin: germline. Inheritance: Autosomal dominant inheritance.
Comment: Trio exome analysis showed this variant to be de novo. The p.Tyr4631Ser variant in RYR1 has not been previously reported in the literature in individuals with RYR1-associated disease. This variant has been reported in ClinVar (Variation ID:653142) and has been interpreted as pathogenic by Invitae. This variant is absent from population databases. Computational prediction tools and conservation analyses suggest that this variant may impact the protein, though this information is not predictive enough to determine pathogenicity. In summary, although additional studies are required to fully establish its clinical significance, this variant is likely pathogenic for RYR1-associated myopathy. ACMG/AMP Criteria applied: PS2, PM2_Supporting, PP3 (Richards 2015).

Labcorp Genetics (formerly Invitae), Labcorp
Classification: Pathogenic for RYR1-related disorder. Last evaluated: 2022-09-07. Review status: criteria provided, single submitter. Criteria: Invitae Variant Classification Sherloc (09022015). Collection method: clinical testing. Allele origin: germline.
Comment: Advanced modeling of protein sequence and biophysical properties (such as structural, functional, and spatial information, amino acid conservation, physicochemical variation, residue mobility, and thermodynamic stability) performed at Invitae indicates that this missense variant is expected to disrupt RYR1 protein function. ClinVar contains an entry for this variant (Variation ID: 653142). This missense change has been observed in individual(s) with congenital myopathy (Invitae). In at least one individual the variant was observed to be de novo. This variant is not present in population databases (gnomAD no frequency). This sequence change replaces tyrosine, which is neutral and polar, with serine, which is neutral and polar, at codon 4631 of the RYR1 protein (p.Tyr4631Ser). This variant disrupts the p.Tyr4631 amino acid residue in RYR1. Other variant(s) that disrupt this residue have been observed in individuals with RYR1-related conditions (PMID: 16621918, 21911697, 28357410), which suggests that this may be a clinically significant amino acid residue. For these reasons, this variant has been classified as Pathogenic.

Literature cited by the submitters: PubMed 16621918 (cited by Labcorp Genetics (formerly Invitae), Labcorp); PubMed 21911697 (cited by Labcorp Genetics (formerly Invitae), Labcorp); PubMed 28357410 (cited by Labcorp Genetics (formerly Invitae), Labcorp).